The following is an entry in ClinVar:

NM_006420.3(ARFGEF2):c.79C>T (p.Pro27Ser)

Genes: ARFGEF2 (ARF guanine nucleotide exchange factor 2; plus strand), LOC130066081 (ATAC-STARR-seq lymphoblastoid silent region 12992; plus strand). Cytogenetic location: 20q13.13.
Variant type: single nucleotide variant.
Coding change: c.79C>T on transcript NM_006420.3 (MANE Select); coding-DNA position 79, C replaced by T.
Protein change: p.Pro27Ser; replaces proline 27 with serine.
Molecular consequence: missense variant.
Genome position (GRCh38, 1-based): chr20:48,921,968, C>T. VCF-style: chr20-48921968-C-T. GRCh37 (hg19) VCF-style: chr20-47538505-C-T.
Other names: short protein forms P27S.
Identifiers: ClinVar variation 128444 (VCV000128444.9), dbSNP rs587780282, ClinGen allele CA230906.

ClinVar aggregate classification (germline): Uncertain significance. Review status: criteria provided, multiple submitters, no conflicts (2 of 4 stars). 3 submissions from 3 submitters: Uncertain significance (3). Last evaluated 2025-09-11.

Conditions:
Inborn genetic diseases. Identifiers: MedGen C0950123, MeSH D030342.

Allele frequency attached by ClinVar (database versions not stated): TOPMed below 0.00001.
gnomAD v4.1: 1 of 1,576,108 alleles (0.000063%); highest among the groups gnomAD compares: Middle Eastern, 0.017%; no homozygotes.

Submissions (3):

Ambry Genetics
Classification: Uncertain significance for Inborn genetic diseases. Last evaluated: 2025-09-11. Review status: criteria provided, single submitter. Criteria: Ambry Variant Classification Scheme 2023. Collection method: clinical testing. Allele origin: germline.

Labcorp Genetics (formerly Invitae), Labcorp
Classification: Uncertain significance. Last evaluated: 2024-09-23. Review status: criteria provided, single submitter. Criteria: Invitae Variant Classification Sherloc (09022015). Collection method: clinical testing. Allele origin: germline.
Comment: This sequence change replaces proline, which is neutral and non-polar, with serine, which is neutral and polar, at codon 27 of the ARFGEF2 protein (p.Pro27Ser). The frequency data for this variant in the population databases is considered unreliable, as metrics indicate poor data quality at this position in the gnomAD database. This variant has not been reported in the literature in individuals affected with ARFGEF2-related conditions. ClinVar contains an entry for this variant (Variation ID: 128444). An algorithm developed to predict the effect of missense changes on protein structure and function (PolyPhen-2) suggests that this variant is likely to be tolerated. In summary, the available evidence is currently insufficient to determine the role of this variant in disease. Therefore, it has been classified as a Variant of Uncertain Significance.

Genetic Services Laboratory, University of Chicago
Classification: Uncertain significance. Last evaluated: 2014-03-13. Review status: criteria provided, single submitter. Criteria: ACMG Guidelines, 2007. Collection method: clinical testing. Allele origin: germline. Inheritance: Autosomal recessive inheritance.